The following is an entry in ClinVar:

NM_000064.4(C3):c.1554C>A (p.Pro518=)

Gene: C3 (complement C3; minus strand). Cytogenetic location: 19p13.3.
Variant type: single nucleotide variant.
Coding change: c.1554C>A on transcript NM_000064.4 (MANE Select); coding-DNA position 1554, C replaced by A.
Protein change: p.Pro518=; no amino-acid change (proline 518 retained).
Molecular consequence: synonymous variant.
Genome position (GRCh38, 1-based): chr19:6,710,771, G>T on the plus strand (C>A on the coding strand, the complement: C3 is on the minus strand). VCF-style: chr19-6710771-G-T. GRCh37 (hg19) VCF-style: chr19-6710782-G-T.
Other names: p.Pro518=; c.1554C>A (LRG_27t1).
Identifiers: ClinVar variation 330324 (VCV000330324.20), dbSNP rs2230203, ClinGen allele CA9129407.
Genomic context (GRCh38, chr19:6,710,771, plus strand): 5'-GATCAGCGTGTAGTACGCCACCAGGCGGAAGGAAGGGATGAAGTCGGTGGTGATGGACAG[G>T]GGCAGCACCACCAGGTCCTGGCCGGGCTCTCGCACCTGGCGTCCCGCCTTCAACAGCCTG-3'
Protein context (NP_000055.2, residues 508-528): REPGQDLVVL[Pro518=]LSITTDFIPS

ClinVar aggregate classification (germline): Benign/Likely benign. Review status: criteria provided, multiple submitters, no conflicts (2 of 4 stars). 10 submissions from 8 submitters: Benign (9); Likely benign (1). Last evaluated 2026-02-04.

Conditions:
Complement component 3 deficiency. Identifiers: Orphanet 280133, MedGen C3151071, MONDO:0013417, OMIM 613779.
Age related macular degeneration 9. Identifiers: MedGen C1969651, MONDO:0012659, OMIM 611378.
Atypical hemolytic-uremic syndrome with C3 anomaly. Also called: AHUS, SUSCEPTIBILITY TO, 5. Identifiers: Orphanet 2134, MedGen C2752037, MONDO:0013043, OMIM 612925.
Atypical hemolytic-uremic syndrome. Identifiers: Orphanet 2134, MedGen C2931788, MONDO:0016244.
C3 glomerulonephritis. Also called: C3 GLOMERULOPATHY 3; Nephropathy due to CFHR5 Deficiency. Identifiers: Orphanet 329931, MedGen C4055342, MONDO:0013892, OMIM 614809.

Allele frequency attached by ClinVar (database versions not stated): 1000 Genomes Project 30x 0.06262; 1000 Genomes Project 0.06370; TOPMed 0.11434; ESP Exome Variant Server 0.13363.

Submissions (10):

Labcorp Genetics (formerly Invitae), Labcorp
Classification: Benign. Last evaluated: 2026-02-04. Review status: criteria provided, single submitter. Criteria: Invitae Variant Classification Sherloc (09022015). Collection method: clinical testing. Allele origin: germline.

Women's Health and Genetics/Laboratory Corporation of America, LabCorp
Classification: Benign. Last evaluated: 2026-01-21. Review status: criteria provided, single submitter. Criteria: LabCorp Variant Classification Summary - May 2015. Collection method: clinical testing. Allele origin: germline.

Genomenon, Inc
Classification: Benign for Complement component 3 deficiency; C3 glomerulonephritis; Atypical hemolytic-uremic syndrome. Last evaluated: 2025-09-30. Review status: criteria provided, single submitter. Criteria: Genomenon Sequence Variant Interpretation Standards. Collection method: curation. Allele origin: germline. Affected: no.
Comment: C3 p.Pro518= (c.1554C>A) is a synonymous variant that retains Proline at residue 518. This variant is present at high allele frequency in population databases. In conclusion, we classify C3 p.Pro518= (c.1554C>A) as a benign variant.

Blueprint Genetics
Classification: Likely benign. Last evaluated: 2024-11-28. Review status: criteria provided, single submitter. Criteria: ACMG Guidelines, 2015. Collection method: clinical testing. Allele origin: germline.

Mayo Clinic Laboratories, Mayo Clinic
Classification: Benign. Last evaluated: 2022-03-10. Review status: criteria provided, single submitter. Criteria: ACMG Guidelines, 2015. Collection method: clinical testing. Allele origin: germline. Observed: 661 variant alleles.

GeneDx
Classification: Benign. Last evaluated: 2021-06-09. Review status: criteria provided, single submitter. Criteria: GeneDx Variant Classification Process June 2021. Collection method: clinical testing. Allele origin: germline. Affected: yes.

Illumina Laboratory Services, Illumina
Classification: Benign for Age related macular degeneration 9. Last evaluated: 2018-01-13. Review status: criteria provided, single submitter. Criteria: ICSL Variant Classification Criteria 13 December 2019. Collection method: clinical testing. Allele origin: germline.
Comment: This variant was observed in the ICSL laboratory as part of a predisposition screen in an ostensibly healthy population. It had not been previously curated by ICSL or reported in the Human Gene Mutation Database (HGMD: prior to June 1st, 2018), and was therefore a candidate for classification through an automated scoring system. Utilizing variant allele frequency, disease prevalence and penetrance estimates, and inheritance mode, an automated score was calculated to assess if this variant is too frequent to cause the disease. Based on the score and internal cut-off values, a variant classified as benign is not then subjected to further curation. The score for this variant resulted in a classification of benign for this disease.

Illumina Laboratory Services, Illumina
Classification: Benign for Atypical hemolytic-uremic syndrome with C3 anomaly. Last evaluated: 2018-01-13. Review status: criteria provided, single submitter. Criteria: ICSL Variant Classification Criteria 13 December 2019. Collection method: clinical testing. Allele origin: germline.
Comment: the same text as in the submission from Illumina Laboratory Services, Illumina above.

Illumina Laboratory Services, Illumina
Classification: Benign for Complement component 3 deficiency. Last evaluated: 2018-01-13. Review status: criteria provided, single submitter. Criteria: ICSL Variant Classification Criteria 13 December 2019. Collection method: clinical testing. Allele origin: germline.
Comment: the same text as in the submission from Illumina Laboratory Services, Illumina above.

Breakthrough Genomics
Classification: Benign. Review status: criteria provided, single submitter. Criteria: ACMG Guidelines, 2015. Collection method: not provided. Allele origin: germline. Inheritance: Autosomal recessive inheritance. Affected: yes.